The following is an entry in ClinVar:

NM_005585.5(SMAD6):c.363C>T (p.Cys121=)

Gene: SMAD6 (SMAD family member 6; plus strand). Cytogenetic location: 15q22.31.
Variant type: single nucleotide variant.
Coding change: c.363C>T on transcript NM_005585.5 (MANE Select); coding-DNA position 363, C replaced by T.
Protein change: p.Cys121=; no amino-acid change (cysteine 121 retained).
Molecular consequence: synonymous variant. On other transcripts: non-coding transcript variant (1).
Genome position (GRCh38, 1-based): chr15:66,703,621, C>T. VCF-style: chr15-66703621-C-T. GRCh37 (hg19) VCF-style: chr15-66995959-C-T.
Identifiers: ClinVar variation 3355525 (VCV003355525.1).

ClinVar aggregate classification (germline): Likely benign (0 of 4 stars; one submission).

Conditions:
SMAD6-related disease. Also called: SMAD6-related disorder; SMAD6-related condition. Identifiers: MedGen CN381596, MONDO:0700324.

gnomAD v4.1: 1 of 1,230,806 alleles (0.000081%); no homozygotes.

Submission:

PreventionGenetics, part of Exact Sciences
Classification: Likely benign for SMAD6-related condition. Last evaluated: 2024-08-27. Review status: no assertion criteria provided. Collection method: clinical testing. Allele origin: germline.
Comment: This variant is classified as likely benign based on ACMG/AMP sequence variant interpretation guidelines (Richards et al. 2015 PMID: 25741868, with internal and published modifications).